The following is an entry in ClinVar:

NM_000384.3(APOB):c.8034G>T (p.Gln2678His)

Gene: APOB (apolipoprotein B; minus strand). Cytogenetic location: 2p24.1.
Variant type: single nucleotide variant.
Coding change: c.8034G>T on transcript NM_000384.3 (MANE Select); coding-DNA position 8034, G replaced by T.
Protein change: p.Gln2678His; replaces glutamine 2678 with histidine.
Molecular consequence: missense variant.
Genome position (GRCh38, 1-based): chr2:21,008,834, C>A on the plus strand (G>T on the coding strand, the complement: APOB is on the minus strand). VCF-style: chr2-21008834-C-A. GRCh37 (hg19) VCF-style: chr2-21231706-C-A.
Other names: short protein forms Q2678H.
Identifiers: ClinVar variation 4887923 (VCV004887923.1).

ClinVar aggregate classification (germline): Uncertain significance (1 of 4 stars; one submission).

gnomAD v4.1: 2 of 1,614,030 alleles (0.00012%); highest among the groups gnomAD compares: Non-Finnish European, 0.00017%; no homozygotes.

Submission:

GeneDx
Classification: Uncertain significance. Last evaluated: 2026-02-03. Review status: criteria provided, single submitter. Criteria: GeneDx Variant Classification Process June 2021. Collection method: clinical testing. Allele origin: germline.
Comment: Not observed at significant frequency in large population cohorts (gnomAD); In silico analysis supports that this missense variant has a deleterious effect on protein structure/function; Has not been previously published as pathogenic or benign to our knowledge